The following is an entry in ClinVar:

NM_001128840.3(CACNA1D):c.1438A>G (p.Ser480Gly)

Gene: CACNA1D (calcium voltage-gated channel subunit alpha1 D; plus strand). Cytogenetic location: 3p21.1.
Variant type: single nucleotide variant.
Coding change: c.1438A>G on transcript NM_001128840.3 (MANE Select); coding-DNA position 1438, A replaced by G.
Protein change: p.Ser480Gly; replaces serine 480 with glycine.
Molecular consequence: missense variant.
Genome position (GRCh38, 1-based): chr3:53,718,348, A>G. VCF-style: chr3-53718348-A-G. GRCh37 (hg19) VCF-style: chr3-53752375-A-G.
Other names: c.1438A>G, p.Ser480Gly (NM_000720.4, NM_001128839.3); short protein forms S480G.
Identifiers: ClinVar variation 1347528 (VCV001347528.8), dbSNP rs1397694343, ClinGen allele CA353235993.

ClinVar aggregate classification (germline): Uncertain significance (1 of 4 stars; one submission).

Allele frequency attached by ClinVar (database versions not stated): gnomAD exomes below 0.00001; TOPMed below 0.00001.
gnomAD v4.1: 1 of 1,614,188 alleles (0.000062%); highest among the groups gnomAD compares: African/African-American, 0.0013%; no homozygotes.

Submission:

Labcorp Genetics (formerly Invitae), Labcorp
Classification: Uncertain significance. Last evaluated: 2023-07-29. Review status: criteria provided, single submitter. Criteria: Invitae Variant Classification Sherloc (09022015). Collection method: clinical testing. Allele origin: germline.
Comment: In summary, the available evidence is currently insufficient to determine the role of this variant in disease. Therefore, it has been classified as a Variant of Uncertain Significance. An algorithm developed to predict the effect of missense changes on protein structure and function (PolyPhen-2) suggests that this variant is likely to be tolerated. ClinVar contains an entry for this variant (Variation ID: 1347528). This variant has not been reported in the literature in individuals affected with CACNA1D-related conditions. This variant is present in population databases (no rsID available, gnomAD 0.007%). This sequence change replaces serine, which is neutral and polar, with glycine, which is neutral and non-polar, at codon 480 of the CACNA1D protein (p.Ser480Gly).